The following is an entry in ClinVar:

ClinVar aggregate classification (germline): Uncertain significance (1 of 4 stars; one submission).

Conditions:
Ehlers-Danlos syndrome, classic type, 1 (EDSCL1). Also called: Ehlers-Danlos Syndrome, Classic Type, COL5A1-Related; EDS I; EHLERS-DANLOS SYNDROME, GRAVIS TYPE; EHLERS-DANLOS SYNDROME, SEVERE CLASSIC TYPE; Ehlers-Danlos syndrome, type 1. Identifiers: MedGen C0268335, MONDO:0019567, OMIM 130000.

Submission:

Department of Genetics, Sultan Qaboos University Hospital
Classification: Uncertain significance for Ehlers-Danlos syndrome, classic type, 1. Last evaluated: 2026-04-01. Review status: criteria provided, single submitter. Criteria: ACMG Guidelines, 2015. Collection method: clinical testing. Allele origin: germline. Affected: yes. Observed: 1 variant allele.
Comment: PM2_Supporting

NM_000093.5(COL5A1):c.2088+188G>A

Gene: COL5A1 (collagen type V alpha 1 chain; plus strand). Cytogenetic location: 9q34.3.
Variant type: single nucleotide variant.
Coding change: c.2088+188G>A on transcript NM_000093.5 (MANE Select); 188 bases into the intron after coding-DNA position 2088, G replaced by A.
Molecular consequence: intron variant.
Genome position (GRCh38, 1-based): chr9:134,765,922, G>A. VCF-style: chr9-134765922-G-A. GRCh37 (hg19) VCF-style: chr9-137657768-G-A.
Other names: c.2088+188G>A (NM_001278074.1).
Identifiers: ClinVar variation 4852420 (VCV004852420.1).